The following is an entry in ClinVar:

ClinVar aggregate classification (germline): Uncertain significance. Review status: criteria provided, multiple submitters, no conflicts (2 of 4 stars). 2 submissions from 2 submitters: Uncertain significance (2). Last evaluated 2025-09-01.

Allele frequency attached by ClinVar (database versions not stated): gnomAD exomes 0.00001; ExAC 0.00002; gnomAD 0.00003; TOPMed 0.00004.

Submissions (2):

Ambry Genetics
Classification: Uncertain significance. Last evaluated: 2025-09-01. Review status: criteria provided, single submitter. Criteria: Ambry Variant Classification Scheme 2023. Collection method: clinical testing. Allele origin: germline.

Labcorp Genetics (formerly Invitae), Labcorp
Classification: Uncertain significance. Last evaluated: 2025-06-24. Review status: criteria provided, single submitter. Criteria: Invitae Variant Classification Sherloc (09022015). Collection method: clinical testing. Allele origin: germline.
Comment: This sequence change replaces arginine, which is basic and polar, with histidine, which is basic and polar, at codon 309 of the ITGAM protein (p.Arg309His). This variant is present in population databases (rs759107498, gnomAD 0.01%). This variant has not been reported in the literature in individuals affected with ITGAM-related conditions. ClinVar contains an entry for this variant (Variation ID: 1900276). An algorithm developed to predict the effect of missense changes on protein structure and function outputs the following: PolyPhen-2: "Benign". The histidine amino acid residue is found in multiple mammalian species, which suggests that this missense change does not adversely affect protein function. In summary, the available evidence is currently insufficient to determine the role of this variant in disease. Therefore, it has been classified as a Variant of Uncertain Significance.

NM_000632.4(ITGAM):c.926G>A (p.Arg309His)

Gene: ITGAM (integrin subunit alpha M; plus strand). Cytogenetic location: 16p11.2.
Variant type: single nucleotide variant.
Coding change: c.926G>A on transcript NM_000632.4 (MANE Select); coding-DNA position 926, G replaced by A.
Protein change: p.Arg309His; replaces arginine 309 with histidine.
Molecular consequence: missense variant.
Genome position (GRCh38, 1-based): chr16:31,275,616, G>A. VCF-style: chr16-31275616-G-A. GRCh37 (hg19) VCF-style: chr16-31286937-G-A.
Other names: c.926G>A (NM_000632.3); c.926G>A, p.Arg309His (NM_001145808.2); short protein forms R309H.
Identifiers: ClinVar variation 1900276 (VCV001900276.5), dbSNP rs759107498, ClinGen allele CA8025381.